The following is an entry in ClinVar:

ClinVar aggregate classification (germline): Likely pathogenic (1 of 4 stars; one submission).

Conditions:
Familial intrahepatic cholestasis. Identifiers: Orphanet 284385, MedGen CN296401, MONDO:0017290.

Submission:

Genomenon, Inc
Classification: Likely pathogenic for Familial intrahepatic cholestasis. Last evaluated: 2026-04-14. Review status: criteria provided, single submitter. Criteria: Genomenon Sequence Variant Interpretation Standards - Updated. Collection method: curation. Allele origin: germline. Affected: yes.
Comment: ABCB11 c.150+3A>G is an intronic variant located in the donor splice region of intron 4. This variant has been observed in at least one proband with an ABCB11-related disorder (PMID:32793533). It is absent or not present at a significant frequency in gnomAD. In silico models predict that this variant is possibly or probably damaging. Other variants affecting this donor splice region have been reported as likely pathogenic or pathogenic. In conclusion, we classify ABCB11 c.150+3A>G as a likely pathogenic variant.

Literature cited by the submitters: PubMed 32793533.

NM_003742.4(ABCB11):c.150+3A>G

Gene: ABCB11 (ATP binding cassette subfamily B member 11; minus strand). Cytogenetic location: 2q31.1.
Variant type: single nucleotide variant.
Coding change: c.150+3A>G on transcript NM_003742.4 (MANE Select); 3 bases into the intron after coding-DNA position 150, A replaced by G.
Molecular consequence: intron variant.
Genome position (GRCh38, 1-based): chr2:169,014,300, T>C on the plus strand (A>G on the coding strand, the complement: ABCB11 is on the minus strand). VCF-style: chr2-169014300-T-C. GRCh37 (hg19) VCF-style: chr2-169870810-T-C.
Identifiers: ClinVar variation 4846691 (VCV004846691.1).